The following is an entry in ClinVar:

ClinVar aggregate classification (germline): Uncertain significance (1 of 4 stars; one submission).

Conditions:
Hypertrophic cardiomyopathy. Also called: HYPERTROPHIC MYOCARDIOPATHY. Identifiers: Orphanet 217569, MedGen C0007194, MeSH D002312, MONDO:0005045, HP:0001639.

Submission:

Labcorp Genetics (formerly Invitae), Labcorp
Classification: Uncertain significance for Hypertrophic cardiomyopathy. Last evaluated: 2025-06-09. Review status: criteria provided, single submitter. Criteria: Invitae Variant Classification Sherloc (09022015). Collection method: clinical testing. Allele origin: germline.
Comment: This sequence change replaces proline, which is neutral and non-polar, with histidine, which is basic and polar, at codon 225 of the MYH7 protein (p.Pro225His). This variant is not present in population databases (gnomAD no frequency). This variant has not been reported in the literature in individuals affected with MYH7-related conditions. Invitae Evidence Modeling of protein sequence and biophysical properties (such as structural, functional, and spatial information, amino acid conservation, physicochemical variation, residue mobility, and thermodynamic stability) indicates that this missense variant is expected to disrupt MYH7 protein function with a positive predictive value of 95%. In summary, the available evidence is currently insufficient to determine the role of this variant in disease. Therefore, it has been classified as a Variant of Uncertain Significance.

NM_000257.4(MYH7):c.674C>A (p.Pro225His)

Gene: MYH7 (myosin heavy chain 7; minus strand). Cytogenetic location: 14q11.2.
Variant type: single nucleotide variant.
Coding change: c.674C>A on transcript NM_000257.4 (MANE Select); coding-DNA position 674, C replaced by A.
Protein change: p.Pro225His; replaces proline 225 with histidine.
Molecular consequence: missense variant.
Genome position (GRCh38, 1-based): chr14:23,431,643, G>T on the plus strand (C>A on the coding strand, the complement: MYH7 is on the minus strand). VCF-style: chr14-23431643-G-T. GRCh37 (hg19) VCF-style: chr14-23900852-G-T.
Other names: c.674C>A, p.Pro225His (NM_001407004.1); short protein forms P225H.
Identifiers: ClinVar variation 4797665 (VCV004797665.1).